The following is an entry in ClinVar:

NM_018947.6(CYCS):c.219G>T (p.Lys73Asn)

Gene: CYCS (cytochrome c, somatic; minus strand). Cytogenetic location: 7p15.3.
Variant type: single nucleotide variant.
Coding change: c.219G>T on transcript NM_018947.6 (MANE Select); coding-DNA position 219, G replaced by T.
Protein change: p.Lys73Asn; replaces lysine 73 with asparagine.
Molecular consequence: missense variant.
Genome position (GRCh38, 1-based): chr7:25,123,800, C>A on the plus strand (G>T on the coding strand, the complement: CYCS is on the minus strand). VCF-style: chr7-25123800-C-A. GRCh37 (hg19) VCF-style: chr7-25163419-C-A.
Other names: short protein forms K73N.
Identifiers: ClinVar variation 3347473 (VCV003347473.1).

ClinVar aggregate classification (germline): Uncertain significance (0 of 4 stars; one submission).

Conditions:
CYCS-related disorder. Also called: CYCS-related condition.

gnomAD v4.1: 7 of 1,613,670 alleles (0.00043%); highest among the groups gnomAD compares: Non-Finnish European, 0.00059%; no homozygotes.

Submission:

PreventionGenetics, part of Exact Sciences
Classification: Uncertain significance for CYCS-related condition. Last evaluated: 2024-06-10. Review status: no assertion criteria provided. Collection method: clinical testing. Allele origin: germline.
Comment: The CYCS c.219G>T variant is predicted to result in the amino acid substitution p.Lys73Asn. To our knowledge, this variant has not been reported in the literature or in a large population database, indicating this variant is rare. At this time, the clinical significance of this variant is uncertain due to the absence of conclusive functional and genetic evidence.